The following is an entry in ClinVar:

ClinVar aggregate classification (germline): Uncertain significance. Review status: criteria provided, multiple submitters, no conflicts (2 of 4 stars). 2 submissions from 2 submitters: Uncertain significance (2). Last evaluated 2023-06-02.

Allele frequency attached by ClinVar (database versions not stated): gnomAD exomes below 0.00001.

Submissions (2):

Labcorp Genetics (formerly Invitae), Labcorp
Classification: Uncertain significance. Last evaluated: 2023-06-02. Review status: criteria provided, single submitter. Criteria: Invitae Variant Classification Sherloc (09022015). Collection method: clinical testing. Allele origin: germline.
Comment: ClinVar contains an entry for this variant (Variation ID: 1704927). This variant has not been reported in the literature in individuals affected with MTOR-related conditions. This variant is not present in population databases (gnomAD no frequency). This sequence change creates a premature translational stop signal (p.Leu2097Argfs*27) in the MTOR gene. It is expected to result in an absent or disrupted protein product. However, the current clinical and genetic evidence is not sufficient to establish whether loss-of-function variants in MTOR cause disease. In summary, the available evidence is currently insufficient to determine the role of this variant in disease. Therefore, it has been classified as a Variant of Uncertain Significance.

GeneDx
Classification: Uncertain significance. Last evaluated: 2022-03-10. Review status: criteria provided, single submitter. Criteria: GeneDx Variant Classification Process June 2021. Collection method: clinical testing. Allele origin: germline. Affected: yes.
Comment: Frameshift variant predicted to result in protein truncation or nonsense mediated decay in a gene for which loss-of-function is not a known mechanism of disease; Not observed at significant frequency in large population cohorts (gnomAD); Has not been previously published as pathogenic or benign to our knowledge

NM_004958.4(MTOR):c.6285_6289dup (p.Leu2097fs)

Gene: MTOR (mechanistic target of rapamycin kinase; minus strand). Cytogenetic location: 1p36.22.
Variant type: Duplication.
Coding change: c.6285_6289dup on transcript NM_004958.4 (MANE Select); coding-DNA positions 6285 to 6289, 5 bases duplicated (GGACC; older notation c.6285_6289dupGGACC).
Protein change: p.Leu2097fs; shifts the reading frame from leucine 2097.
Molecular consequence: frameshift variant.
Genome position (GRCh38, 1-based): chr1:11,127,072-11,127,076, GGTCC duplicated on the plus strand (GGACC on the coding strand, the reverse complement: MTOR is on the minus strand). VCF-style (leftmost placement, unchanged base first): chr1-11127071-A-AGGTCC. GRCh37 (hg19) VCF-style: chr1-11187128-A-AGGTCC.
Other names: c.6285_6289dup, p.Leu2097fs (NM_001386500.1); c.5037_5041dup, p.Leu1681fs (NM_001386501.1); short protein forms L1681fs, L2097fs.
Identifiers: ClinVar variation 1704927 (VCV001704927.5), dbSNP rs2522272070, ClinGen allele CA2580060495.